The following is an entry in ClinVar:

ClinVar aggregate classification (germline): Conflicting classifications of pathogenicity. Review status: criteria provided, conflicting classifications (1 of 4 stars). 3 submissions from 3 submitters: Likely pathogenic (1); Uncertain significance (2). Last evaluated 2026-03-05.

Conditions:
NOTCH1-related disorder. Also called: NOTCH1-related condition; NOTCH1-related disorders.
Aortic valve disease 1 (AOVD1). Identifiers: MedGen C3887892, MONDO:0024523, OMIM 109730.

Submissions (3):

GeneDx
Classification: Likely pathogenic. Last evaluated: 2026-03-05. Review status: criteria provided, single submitter. Criteria: GeneDx Variant Classification Process June 2021. Collection method: clinical testing. Allele origin: germline.
Comment: Not observed at significant frequency in large population cohorts (gnomAD); In silico analysis supports that this missense variant has a deleterious effect on protein structure/function; Has not been previously published as pathogenic or benign germline variant to our knowledge; This variant is associated with the following publications: (PMID: 28938622)

PreventionGenetics, part of Exact Sciences
Classification: Uncertain significance for NOTCH1-related condition. Last evaluated: 2025-05-30. Review status: criteria provided, single submitter. Criteria: ACMG Guidelines, 2015. Collection method: clinical testing. Allele origin: germline.
Comment: The NOTCH1 c.928G>A variant is predicted to result in the amino acid substitution p.Gly310Arg. To our knowledge, this variant has not been reported as a germline variant in the literature or in a large population database (gnomAD), indicating this variant is rare. At this time, the clinical significance of this variant is uncertain due to the absence of conclusive functional and genetic evidence.

Baylor Genetics
Classification: Uncertain significance for Aortic valve disease 1. Last evaluated: 2024-03-26. Review status: criteria provided, single submitter. Criteria: ACMG Guidelines, 2015. Collection method: clinical testing. Allele origin: unknown.

NM_017617.5(NOTCH1):c.928G>A (p.Gly310Arg)

Gene: NOTCH1 (notch receptor 1; minus strand). Cytogenetic location: 9q34.3.
Variant type: single nucleotide variant.
Coding change: c.928G>A on transcript NM_017617.5 (MANE Select); coding-DNA position 928, G replaced by A.
Protein change: p.Gly310Arg; replaces glycine 310 with arginine.
Molecular consequence: missense variant.
Genome position (GRCh38, 1-based): chr9:136,518,762, C>T on the plus strand (G>A on the coding strand, the complement: NOTCH1 is on the minus strand). VCF-style: chr9-136518762-C-T. GRCh37 (hg19) VCF-style: chr9-139413214-C-T.
Other names: c.928G>A (NM_017617.4, NM_017617.3); short protein forms G310R.
Identifiers: ClinVar variation 3238794 (VCV003238794.3), dbSNP rs2133371393.